The following is an entry in ClinVar:

ClinVar aggregate classification (germline): Benign. Review status: criteria provided, multiple submitters, no conflicts (2 of 4 stars). 2 submissions from 2 submitters: Benign (2). Last evaluated 2018-01-13.

Conditions:
Fraser syndrome 1 (FRASRS1). Also called: CRYPTOPHTHALMOS WITH OTHER MALFORMATIONS. Identifiers: Orphanet 2052, MedGen C4551480, MONDO:0054737, OMIM 219000.

Allele frequency attached by ClinVar (database versions not stated): gnomAD exomes 0.53846; TOPMed 0.61407; gnomAD 0.61498 and 0.61929; 1000 Genomes Project 30x 0.63554; 1000 Genomes Project 0.64038.
gnomAD v4.1: 94,197 of 152,174 alleles (62%); highest among the groups gnomAD compares: East Asian, 83%; 29,324 homozygotes.

Submissions (2):

Illumina Laboratory Services, Illumina
Classification: Benign for Fraser syndrome 1. Last evaluated: 2018-01-13. Review status: criteria provided, single submitter. Criteria: ICSL Variant Classification Criteria 13 December 2019. Collection method: clinical testing. Allele origin: germline.
Comment: This variant was observed in the ICSL laboratory as part of a predisposition screen in an ostensibly healthy population. It had not been previously curated by ICSL or reported in the Human Gene Mutation Database (HGMD: prior to June 1st, 2018), and was therefore a candidate for classification through an automated scoring system. Utilizing variant allele frequency, disease prevalence and penetrance estimates, and inheritance mode, an automated score was calculated to assess if this variant is too frequent to cause the disease. Based on the score and internal cut-off values, a variant classified as benign is not then subjected to further curation. The score for this variant resulted in a classification of benign for this disease.

Breakthrough Genomics
Classification: Benign. Review status: criteria provided, single submitter. Criteria: ACMG Guidelines, 2015. Collection method: not provided. Allele origin: germline. Inheritance: Autosomal recessive inheritance. Affected: yes.

NM_025074.7(FRAS1):c.*2700G>A

Gene: FRAS1 (Fraser extracellular matrix complex subunit 1; plus strand). Cytogenetic location: 4q21.21.
Variant type: single nucleotide variant.
Coding change: c.*2700G>A on transcript NM_025074.7 (MANE Select); 2700 bases downstream of the stop codon, G replaced by A.
Molecular consequence: 3 prime UTR variant.
Genome position (GRCh38, 1-based): chr4:78,543,824, G>A. VCF-style: chr4-78543824-G-A. GRCh37 (hg19) VCF-style: chr4-79464978-G-A.
Identifiers: ClinVar variation 349864 (VCV000349864.6), dbSNP rs11098228, ClinGen allele CA10621802.